The following is an entry in ClinVar:

NM_004035.7(ACOX1):c.1698_1699delinsTC (p.Ile567Leu)

Gene: ACOX1 (acyl-CoA oxidase 1; minus strand). Cytogenetic location: 17q25.1.
Variant type: Indel.
Coding change: c.1698_1699delinsTC on transcript NM_004035.7 (MANE Select); coding-DNA positions 1698 to 1699, AA replaced by TC.
Protein change: p.Ile567Leu; replaces isoleucine 567 with leucine.
Molecular consequence: missense variant.
Genome position (GRCh38, 1-based): chr17:75,949,246-75,949,247, TT replaced by GA on the plus strand (AA replaced by TC on the coding strand, the reverse complement: ACOX1 is on the minus strand). VCF-style: chr17-75949246-TT-GA. GRCh37 (hg19) VCF-style: chr17-73945327-TT-GA.
Other names: c.1584_1585delinsTC, p.Ile529Leu (NM_001185039.2); c.1698_1699delinsTC, p.Ile567Leu (NM_007292.6); short protein forms I529L, I567L.
Identifiers: ClinVar variation 1466558 (VCV001466558.3), dbSNP rs2144235491, ClinGen allele CA2573154921.

ClinVar aggregate classification (germline): Uncertain significance (1 of 4 stars; one submission).

Conditions:
Acyl-CoA oxidase deficiency. Also called: STRAIGHT-CHAIN ACYL-CoA OXIDASE DEFICIENCY; Pseudoneonatal adrenoleukodystrophy; Peroxisomal acyl-CoA oxidase deficiency. Identifiers: Orphanet 2971, MedGen C1849678, MONDO:0009919, OMIM 264470. Disease mechanism: loss of function.

Submission:

Labcorp Genetics (formerly Invitae), Labcorp
Classification: Uncertain significance for Acyl-CoA oxidase deficiency. Last evaluated: 2021-12-13. Review status: criteria provided, single submitter. Criteria: Invitae Variant Classification Sherloc (09022015). Collection method: clinical testing. Allele origin: germline.
Comment: This sequence change replaces isoleucine, which is neutral and non-polar, with leucine, which is neutral and non-polar, at codon 567 of the ACOX1 protein (p.Ile567Leu). Information on the frequency of this variant in the gnomAD database is not available, as this variant may be reported differently in the database. This variant has not been reported in the literature in individuals affected with ACOX1-related conditions. Experimental studies and prediction algorithms are not available or were not evaluated, and the functional significance of this variant is currently unknown. In summary, the available evidence is currently insufficient to determine the role of this variant in disease. Therefore, it has been classified as a Variant of Uncertain Significance.